The following is an entry in ClinVar:

ClinVar aggregate classification (germline): Likely benign. Review status: criteria provided, multiple submitters, no conflicts (2 of 4 stars). 3 submissions from 3 submitters: Likely benign (3). Last evaluated 2025-05-18.

Conditions:
Cardiovascular phenotype. Identifiers: MedGen CN230736.
Dilated cardiomyopathy 1JJ (CMD1JJ). Identifiers: Orphanet 154, MedGen C3808935, MONDO:0014095, OMIM 615235.

Allele frequency attached by ClinVar (database versions not stated): 1000 Genomes Project 0.00020; gnomAD exomes 0.00001 and 0.00003; ExAC 0.00002; gnomAD 0.00003 and 0.00004; TOPMed 0.00003; 1000 Genomes Project 30x 0.00016.
gnomAD v4.1: 52 of 1,612,402 alleles (0.0032%); highest among the groups gnomAD compares: East Asian, 0.013%; no homozygotes.

Submissions (3):

Labcorp Genetics (formerly Invitae), Labcorp
Classification: Likely benign for Dilated cardiomyopathy 1JJ. Last evaluated: 2025-05-18. Review status: criteria provided, single submitter. Criteria: Invitae Variant Classification Sherloc (09022015). Collection method: clinical testing. Allele origin: germline.

Ambry Genetics
Classification: Likely benign for Cardiovascular phenotype. Last evaluated: 2018-10-01. Review status: criteria provided, single submitter. Criteria: Ambry Variant Classification Scheme 2023. Collection method: clinical testing. Allele origin: germline.

GeneDx
Classification: Likely benign. Last evaluated: 2016-05-16. Review status: criteria provided, single submitter. Criteria: GeneDx Variant Classification (06012015). Collection method: clinical testing. Allele origin: germline. Affected: yes.
Comment: This variant is considered likely benign or benign based on one or more of the following criteria: it is a conservative change, it occurs at a poorly conserved position in the protein, it is predicted to be benign by multiple in silico algorithms, and/or has population frequency not consistent with disease.

NM_001105206.3(LAMA4):c.996C>T (p.Tyr332=)

Gene: LAMA4 (laminin subunit alpha 4; minus strand). Cytogenetic location: 6q21.
Variant type: single nucleotide variant.
Coding change: c.996C>T on transcript NM_001105206.3 (MANE Select); coding-DNA position 996, C replaced by T.
Protein change: p.Tyr332=; no amino-acid change (tyrosine 332 retained).
Molecular consequence: synonymous variant.
Genome position (GRCh38, 1-based): chr6:112,185,318, G>A on the plus strand (C>T on the coding strand, the complement: LAMA4 is on the minus strand). VCF-style: chr6-112185318-G-A. GRCh37 (hg19) VCF-style: chr6-112506520-G-A.
Other names: c.975C>T, p.Tyr325= (NM_001105207.3, NM_002290.5); c.975C>T (LRG_433t2).
Identifiers: ClinVar variation 386221 (VCV000386221.12), dbSNP rs188272639, ClinGen allele CA3965928.